The following is an entry in ClinVar:

NM_004082.5(DCTN1):c.2439C>G (p.Ile813Met)

Gene: DCTN1 (dynactin subunit 1; minus strand). Cytogenetic location: 2p13.1.
Variant type: single nucleotide variant.
Coding change: c.2439C>G on transcript NM_004082.5 (MANE Select); coding-DNA position 2439, C replaced by G.
Protein change: p.Ile813Met; replaces isoleucine 813 with methionine.
Molecular consequence: missense variant. On other transcripts: non-coding transcript variant (1).
Genome position (GRCh38, 1-based): chr2:74,366,810, G>C on the plus strand (C>G on the coding strand, the complement: DCTN1 is on the minus strand). VCF-style: chr2-74366810-G-C. GRCh37 (hg19) VCF-style: chr2-74593937-G-C.
Other names: c.2379C>G, p.Ile793Met (NM_001135040.3); c.2037C>G, p.Ile679Met (NM_001135041.3, NM_023019.4); c.2328C>G, p.Ile776Met (NM_001190836.2); c.2418C>G, p.Ile806Met (NM_001190837.2); c.2388C>G, p.Ile796Met (NM_001378991.1); c.2370C>G, p.Ile790Met (NM_001378992.1); short protein forms I806M, I793M, I796M, I790M, I679M, I776M, I813M.
Identifiers: ClinVar variation 1476788 (VCV001476788.8), dbSNP rs1313684238, ClinGen allele CA347347211.

ClinVar aggregate classification (germline): Uncertain significance (1 of 4 stars; one submission).

Conditions:
Amyotrophic lateral sclerosis type 1 (ALS1). Also called: AMYOTROPHIC LATERAL SCLEROSIS 1, FAMILIAL. Identifiers: Orphanet 803, MedGen C1862939, MONDO:0007103, OMIM 105400.
Perry syndrome. Also called: PARKINSONISM WITH ALVEOLAR HYPOVENTILATION AND MENTAL DEPRESSION. Identifiers: Orphanet 178509, MedGen C1868594, MONDO:0008201, OMIM 168605.
Neuronopathy, distal hereditary motor, type 7B. Also called: HMN VIIB; Distal Hereditary Motor Neuronopathy Type 7B (dHMN7B); LOWER MOTOR NEURON DISEASE, DYNACTIN TYPE; NEURONOPATHY, DISTAL HEREDITARY MOTOR, AUTOSOMAL DOMINANT 14; NEURONOPATHY, DISTAL HEREDITARY MOTOR, HARDING TYPE VIIB; NEUROPATHY, DISTAL HEREDITARY MOTOR, HARDING TYPE VIIB. Identifiers: Orphanet 139589, MedGen C1843315, MONDO:0011879, OMIM 607641.

Allele frequency attached by ClinVar (database versions not stated): gnomAD exomes below 0.00001; gnomAD 0.00001; TOPMed 0.00002.
gnomAD v4.1: 3 of 1,614,128 alleles (0.00019%); highest among the groups gnomAD compares: Non-Finnish European, 0.00025%; no homozygotes.

Submission:

Labcorp Genetics (formerly Invitae), Labcorp
Classification: Uncertain significance for Amyotrophic lateral sclerosis type 1; Neuronopathy, distal hereditary motor, type 7B; Perry syndrome. Last evaluated: 2022-09-01. Review status: criteria provided, single submitter. Criteria: Invitae Variant Classification Sherloc (09022015). Collection method: clinical testing. Allele origin: germline.
Comment: In summary, the available evidence is currently insufficient to determine the role of this variant in disease. Therefore, it has been classified as a Variant of Uncertain Significance. Algorithms developed to predict the effect of missense changes on protein structure and function are either unavailable or do not agree on the potential impact of this missense change (SIFT: "Deleterious"; PolyPhen-2: "Possibly Damaging"; Align-GVGD: "Class C0"). ClinVar contains an entry for this variant (Variation ID: 1476788). This variant has not been reported in the literature in individuals affected with DCTN1-related conditions. This variant is not present in population databases (gnomAD no frequency). This sequence change replaces isoleucine, which is neutral and non-polar, with methionine, which is neutral and non-polar, at codon 813 of the DCTN1 protein (p.Ile813Met).